The following is an entry in ClinVar:

NM_003072.5(SMARCA4):c.2719C>G (p.Leu907Val)

Gene: SMARCA4 (SWI/SNF related BAF chromatin remodeling complex subunit ATPase 4; plus strand). Cytogenetic location: 19p13.2.
Variant type: single nucleotide variant.
Coding change: c.2719C>G on transcript NM_003072.5 (MANE Select); coding-DNA position 2719, C replaced by G.
Protein change: p.Leu907Val; replaces leucine 907 with valine.
Molecular consequence: missense variant. On other transcripts: non-coding transcript variant (1).
Genome position (GRCh38, 1-based): chr19:11,021,827, C>G. VCF-style: chr19-11021827-C-G. GRCh37 (hg19) VCF-style: chr19-11132503-C-G.
Other names: c.2719C>G, p.Leu907Val (NM_001128844.3, NM_001128845.2, NM_001128846.2 and 6 more transcripts); short protein forms L907V.
Identifiers: ClinVar variation 3320726 (VCV003320726.1).

ClinVar aggregate classification (germline): Uncertain significance (1 of 4 stars; one submission).

Conditions:
Hereditary cancer-predisposing syndrome. Also called: Neoplastic Syndromes, Hereditary; Tumor predisposition; Hereditary neoplastic syndrome; Hereditary Cancer Syndrome. Identifiers: Orphanet 140162, MedGen C0027672, MeSH D009386, MONDO:0015356.

Submission:

Ambry Genetics
Classification: Uncertain significance for Hereditary cancer-predisposing syndrome. Last evaluated: 2024-04-18. Review status: criteria provided, single submitter. Criteria: Ambry Variant Classification Scheme 2023. Collection method: clinical testing. Allele origin: germline.
Comment: The p.L907V variant (also known as c.2719C>G), located in coding exon 18 of the SMARCA4 gene, results from a C to G substitution at nucleotide position 2719. The leucine at codon 907 is replaced by valine, an amino acid with highly similar properties. This amino acid position is conserved. In addition, this alteration is predicted to be tolerated by in silico analysis. Based on the available evidence, the clinical significance of this variant remains unclear.